The following is an entry in ClinVar:

ClinVar aggregate classification (germline): Uncertain significance. Review status: criteria provided, multiple submitters, no conflicts (2 of 4 stars). 2 submissions from 2 submitters: Uncertain significance (2). Last evaluated 2026-01-30.

Conditions:
Intellectual developmental disorder, X-linked 63. Also called: MENTAL RETARDATION, X-LINKED 68; Intellectual disability, X-linked 63. Identifiers: Orphanet 777, MedGen C1845672, MONDO:0010313, OMIM 300387.

Allele frequency attached by ClinVar (database versions not stated): gnomAD 0.00001; TOPMed 0.00001; ESP Exome Variant Server 0.00009.
gnomAD v4.1: 10 of 1,205,458 alleles (0.00083%); highest among the groups gnomAD compares: African/African-American, 0.0018%; no homozygotes.

Submissions (2):

GeneDx
Classification: Uncertain significance. Last evaluated: 2026-01-30. Review status: criteria provided, single submitter. Criteria: GeneDx Variant Classification Process June 2021. Collection method: clinical testing. Allele origin: germline. Affected: yes.
Comment: Not observed at significant frequency in large population cohorts (gnomAD); In silico analysis indicates that this missense variant does not alter protein structure/function; Has not been previously published as pathogenic or benign to our knowledge

Centre for Mendelian Genomics, University Medical Centre Ljubljana
Classification: Uncertain significance for Intellectual developmental disorder, X-linked 63. Last evaluated: 2020-03-06. Review status: criteria provided, single submitter. Criteria: ACMG Guidelines, 2015. Collection method: clinical testing. Allele origin: unknown. Affected: yes.
Comment: This variant was classified as: Uncertain significance. The following ACMG criteria were applied in classifying this variant: PM2,PP3,BP1. This variant was detected in hemizygous state.

NM_001318510.2(ACSL4):c.1892G>A (p.Arg631Gln)

Gene: ACSL4 (acyl-CoA synthetase long chain family member 4; minus strand). Cytogenetic location: Xq23.
Variant type: single nucleotide variant.
Coding change: c.1892G>A on transcript NM_001318510.2 (MANE Select); coding-DNA position 1892, G replaced by A.
Protein change: p.Arg631Gln; replaces arginine 631 with glutamine.
Molecular consequence: missense variant.
Genome position (GRCh38, 1-based): chrX:109,644,150, C>T on the plus strand (G>A on the coding strand, the complement: ACSL4 is on the minus strand). VCF-style: chrX-109644150-C-T. GRCh37 (hg19) VCF-style: chrX-108887379-C-T.
Other names: c.2015G>A, p.Arg672Gln (NM_001318509.2, NM_022977.3); c.1892G>A, p.Arg631Gln (NM_004458.3); short protein forms R672Q, R631Q.
Identifiers: ClinVar variation 931637 (VCV000931637.7), dbSNP rs370335449, ClinGen allele CA334284441.